The following is an entry in ClinVar:

ClinVar aggregate classification (germline): Uncertain significance (1 of 4 stars; one submission).

Conditions:
Spinocerebellar ataxia type 38. Identifiers: Orphanet 423296, MedGen C4518337, MONDO:0014417, OMIM 615957.

Submission:

3billion
Classification: Uncertain significance for Spinocerebellar ataxia type 38. Last evaluated: 2024-09-11. Review status: criteria provided, single submitter. Criteria: ACMG Guidelines, 2015. Collection method: clinical testing. Allele origin: germline. Affected: yes.
Comment: The variant is not observed in the gnomAD v4.0.0 dataset. Predicted Consequence/Location: Intron variant In silico tools predict the variant to alter splicing and produce an abnormal transcript [SpliceAI: 0.41 (>=0.2, moderate evidence for spliceogenicity)]. Therefore, this variant is classified as VUS according to the recommendation of ACMG/AMP guideline.

NM_021814.5(ELOVL5):c.247-1009C>T

Gene: ELOVL5 (ELOVL fatty acid elongase 5; minus strand). Cytogenetic location: 6p12.1.
Variant type: single nucleotide variant.
Coding change: c.247-1009C>T on transcript NM_021814.5 (MANE Select); 1009 bases into the intron before coding-DNA position 247, C replaced by T.
Molecular consequence: intron variant.
Genome position (GRCh38, 1-based): chr6:53,277,265, G>A on the plus strand (C>T on the coding strand, the complement: ELOVL5 is on the minus strand). VCF-style: chr6-53277265-G-A. GRCh37 (hg19) VCF-style: chr6-53142063-G-A.
Other names: c.247-1009C>T (NM_001242830.2, NM_001301856.2); c.328-1009C>T (NM_001242828.2).
Identifiers: ClinVar variation 4293109 (VCV004293109.1).